The following is an entry in ClinVar:

NM_004544.4(NDUFA10):c.24G>A (p.Leu8=)

Gene: NDUFA10 (NADH:ubiquinone oxidoreductase subunit A10; minus strand). Cytogenetic location: 2q37.3.
Variant type: single nucleotide variant.
Coding change: c.24G>A on transcript NM_004544.4 (MANE Select); coding-DNA position 24, G replaced by A.
Protein change: p.Leu8=; no amino-acid change (leucine 8 retained).
Molecular consequence: synonymous variant. On other transcripts: non-coding transcript variant (4).
Genome position (GRCh38, 1-based): chr2:240,025,278, C>T on the plus strand (G>A on the coding strand, the complement: NDUFA10 is on the minus strand). VCF-style: chr2-240025278-C-T. GRCh37 (hg19) VCF-style: chr2-240964695-C-T.
Other names: p.L8L:CTG>CTA; p.Leu8=; c.24G>A, p.Leu8= (NM_001322019.2, NM_001322020.2).
Identifiers: ClinVar variation 138440 (VCV000138440.21), dbSNP rs113012830, ClinGen allele CA302697.

ClinVar aggregate classification (germline): Benign. Review status: criteria provided, multiple submitters, no conflicts (2 of 4 stars). 8 submissions from 7 submitters: Benign (7). 1 of the submissions does not count toward it. Last evaluated 2026-01-28.

Conditions:
Mitochondrial complex I deficiency, nuclear type 1. Also called: NADH-COENZYME Q REDUCTASE DEFICIENCY; MITOCHONDRIAL NADH DEHYDROGENASE COMPONENT OF COMPLEX I, DEFICIENCY OF. Identifiers: MedGen C6022305, MONDO:0100224, OMIM 252010.
Leigh syndrome (NULS). Also called: Leigh Disease; Leigh Syndrome (mtDNA deletion); Subacute necrotizing encephalopathy; Necrotizing encephalopathy infantile subacute of Leigh; Leigh's necrotizing encephalopathy; Leigh's disease. Identifiers: Orphanet 506, MedGen C2931891, MONDO:0009723, OMIM 256000.
NDUFA10-related disorder. Also called: NDUFA10-related condition.

Allele frequency attached by ClinVar (database versions not stated): gnomAD exomes 0.00289 and 0.00366; ExAC 0.00700; ESP Exome Variant Server 0.02865; gnomAD 0.03316 and 0.03541; 1000 Genomes Project 0.03335; 1000 Genomes Project 30x 0.03607; TOPMed 0.03751.
gnomAD v4.1: 9,159 of 1,504,790 alleles (0.61%); highest among the groups gnomAD compares: African/African-American, 12%; 527 homozygotes.

Submissions (8):

Labcorp Genetics (formerly Invitae), Labcorp
Classification: Benign. Last evaluated: 2026-01-28. Review status: criteria provided, single submitter. Criteria: Invitae Variant Classification Sherloc (09022015). Collection method: clinical testing. Allele origin: germline.

Mayo Clinic Laboratories, Mayo Clinic
Classification: Benign. Last evaluated: 2018-08-06. Review status: criteria provided, single submitter. Criteria: ACMG Guidelines, 2015. Collection method: clinical testing. Allele origin: germline. Observed: 28 variant alleles.

Illumina Laboratory Services, Illumina
Classification: Benign for Mitochondrial complex I deficiency, nuclear type 1. Last evaluated: 2018-01-12. Review status: criteria provided, single submitter. Criteria: ICSL Variant Classification Criteria 13 December 2019. Collection method: clinical testing. Allele origin: germline.
Comment: This variant was observed in the ICSL laboratory as part of a predisposition screen in an ostensibly healthy population. It had not been previously curated by ICSL or reported in the Human Gene Mutation Database (HGMD: prior to June 1st, 2018), and was therefore a candidate for classification through an automated scoring system. Utilizing variant allele frequency, disease prevalence and penetrance estimates, and inheritance mode, an automated score was calculated to assess if this variant is too frequent to cause the disease. Based on the score and internal cut-off values, a variant classified as benign is not then subjected to further curation. The score for this variant resulted in a classification of benign for this disease.

Illumina Laboratory Services, Illumina
Classification: Benign for Leigh syndrome. Last evaluated: 2018-01-12. Review status: criteria provided, single submitter. Criteria: ICSL Variant Classification Criteria 13 December 2019. Collection method: clinical testing. Allele origin: germline.
Comment: the same text as in the submission from Illumina Laboratory Services, Illumina above.

Eurofins Ntd Llc (ga)
Classification: Benign. Last evaluated: 2015-02-12. Review status: criteria provided, single submitter. Criteria: EGL Classification Definitions 2015. Collection method: clinical testing. Allele origin: germline. Observed: 1 variant allele, 1 heterozygote.

GeneDx
Classification: Benign. Last evaluated: 2012-04-04. Review status: criteria provided, single submitter. Criteria: GeneDx Variant Classification (06012015). Collection method: clinical testing. Allele origin: germline. Affected: yes.
Comment: This variant is considered likely benign or benign based on one or more of the following criteria: it is a conservative change, it occurs at a poorly conserved position in the protein, it is predicted to be benign by multiple in silico algorithms, and/or has population frequency not consistent with disease.

Breakthrough Genomics
Classification: Benign. Review status: criteria provided, single submitter. Criteria: ACMG Guidelines, 2015. Collection method: not provided. Allele origin: germline. Inheritance: Autosomal recessive inheritance. Affected: yes.

PreventionGenetics, part of Exact Sciences
Classification: Benign for NDUFA10-related condition. Last evaluated: 2020-01-13. Review status: no assertion criteria provided. Collection method: clinical testing. Allele origin: germline. Not counted in ClinVar's aggregate classification.
Comment: This variant is classified as benign based on ACMG/AMP sequence variant interpretation guidelines (Richards et al. 2015 PMID: 25741868, with internal and published modifications).